The following is an entry in ClinVar:

NM_003074.4(SMARCC1):c.2043G>A (p.Leu681=)

Gene: SMARCC1 (SWI/SNF related BAF chromatin remodeling complex subunit C1; minus strand). Cytogenetic location: 3p21.31.
Variant type: single nucleotide variant.
Coding change: c.2043G>A on transcript NM_003074.4 (MANE Select); coding-DNA position 2043, G replaced by A.
Protein change: p.Leu681=; no amino-acid change (leucine 681 retained).
Molecular consequence: synonymous variant.
Genome position (GRCh38, 1-based): chr3:47,662,449, C>T on the plus strand (G>A on the coding strand, the complement: SMARCC1 is on the minus strand). VCF-style: chr3-47662449-C-T. GRCh37 (hg19) VCF-style: chr3-47703939-C-T.
Identifiers: ClinVar variation 4989602 (VCV004989602.1).

ClinVar aggregate classification (germline): Likely benign (1 of 4 stars; one submission).

Conditions:
SMARCC1-related disorder. Also called: SMARCC1-related condition.

gnomAD v4.1: 15 of 1,613,928 alleles (0.00093%); highest among the groups gnomAD compares: Non-Finnish European, 0.0012%; no homozygotes.

Submission:

PreventionGenetics, part of Exact Sciences
Classification: Likely benign for SMARCC1-related condition. Last evaluated: 2026-03-16. Review status: criteria provided, single submitter. Criteria: ACMG Guidelines, 2015. Collection method: clinical testing. Allele origin: germline.
Comment: This variant is classified as likely benign based on ACMG/AMP sequence variant interpretation guidelines (Richards et al. 2015 PMID: 25741868, with internal and published modifications).